The following is an entry in ClinVar:

ClinVar aggregate classification (germline): Uncertain significance. Review status: criteria provided, multiple submitters, no conflicts (2 of 4 stars). 3 submissions from 3 submitters: Uncertain significance (3). Last evaluated 2025-05-18.

Conditions:
Cardiovascular phenotype. Identifiers: MedGen CN230736.
Familial hypercholesterolemia. Also called: Familial hypercholesterolaemia; Familial hypercholesterolemias. Identifiers: MedGen C0020445, MONDO:0005439.
Hypercholesterolemia, autosomal dominant, 3 (FHCL3). Also called: PCSK9-Related Familial Hypercholesterolemia, Autosomal Dominant; Familial hypercholesterolemia 3; Familial Hypercholesterolemia, Autosomal Dominant, 3. Identifiers: MedGen C1863551, MONDO:0011369, OMIM 603776.

Allele frequency attached by ClinVar (database versions not stated): TOPMed 0.00002; ESP Exome Variant Server 0.00008.

Submissions (3):

Labcorp Genetics (formerly Invitae), Labcorp
Classification: Uncertain significance for Hypercholesterolemia, autosomal dominant, 3. Last evaluated: 2025-05-18. Review status: criteria provided, single submitter. Criteria: Invitae Variant Classification Sherloc (09022015). Collection method: clinical testing. Allele origin: germline.
Comment: This sequence change replaces aspartic acid, which is acidic and polar, with tyrosine, which is neutral and polar, at codon 367 of the PCSK9 protein (p.Asp367Tyr). This variant is present in population databases (rs141867978, gnomAD 0.0009%). This missense change has been observed in individuals with familial hypercholesterolemia (PMID: 24507775; internal data). ClinVar contains an entry for this variant (Variation ID: 646467). Invitae Evidence Modeling of protein sequence and biophysical properties (such as structural, functional, and spatial information, amino acid conservation, physicochemical variation, residue mobility, and thermodynamic stability) has been performed for this missense variant. However, the output from this modeling did not meet the statistical confidence thresholds required to predict the impact of this variant on PCSK9 protein function. In summary, the available evidence is currently insufficient to determine the role of this variant in disease. Therefore, it has been classified as a Variant of Uncertain Significance.

Color Diagnostics, LLC DBA Color Health
Classification: Uncertain significance for Familial hypercholesterolemia. Last evaluated: 2025-05-05. Review status: criteria provided, single submitter. Criteria: ACMG Guidelines, 2015. Collection method: clinical testing. Allele origin: germline.
Comment: This missense variant replaces aspartic acid with tyrosine at codon 367 of the PCSK9 protein. Computational prediction suggests that this variant may have a deleterious impact on protein structure and function. To our knowledge, functional studies have not been reported for this variant. This variant has been reported in an individual affected with high LDL-C levels (PMID: 24507775). This variant has been identified in 1/251326 chromosomes in the general population by the Genome Aggregation Database (gnomAD). The available evidence is insufficient to determine the role of this variant in disease conclusively. Therefore, this variant is classified as a Variant of Uncertain Significance.

Ambry Genetics
Classification: Uncertain significance for Cardiovascular phenotype. Last evaluated: 2019-10-22. Review status: criteria provided, single submitter. Criteria: Ambry Variant Classification Scheme 2023. Collection method: clinical testing. Allele origin: germline.
Comment: The p.D367Y variant (also known as c.1099G>T), located in coding exon 7 of the PCSK9 gene, results from a G to T substitution at nucleotide position 1099. The aspartic acid at codon 367 is replaced by tyrosine, an amino acid with highly dissimilar properties. This amino acid position is well conserved in available vertebrate species. In addition, this alteration is predicted to be deleterious by in silico analysis. Since supporting evidence is limited at this time, the clinical significance of this alteration remains unclear.

Literature cited by the submitters: PubMed 24507775 (cited by Labcorp Genetics (formerly Invitae), Labcorp and Color Diagnostics, LLC DBA Color Health).

NM_174936.4(PCSK9):c.1099G>T (p.Asp367Tyr)

Gene: PCSK9 (proprotein convertase subtilisin/kexin type 9; plus strand). Cytogenetic location: 1p32.3.
Variant type: single nucleotide variant.
Coding change: c.1099G>T on transcript NM_174936.4 (MANE Select); coding-DNA position 1099, G replaced by T.
Protein change: p.Asp367Tyr; replaces aspartic acid 367 with tyrosine.
Molecular consequence: missense variant.
Genome position (GRCh38, 1-based): chr1:55,057,433, G>T. VCF-style: chr1-55057433-G-T. GRCh37 (hg19) VCF-style: chr1-55523106-G-T.
Other names: c.1222G>T, p.Asp408Tyr (NM_001407240.1); c.1099G>T, p.Asp367Tyr (NM_001407241.1, NM_001407244.1, NM_001407247.1); c.1102G>T, p.Asp368Tyr (NM_001407242.1); c.1042G>T, p.Asp348Tyr (NM_001407243.1); c.907G>T, p.Asp303Tyr (NM_001407245.1); c.724G>T, p.Asp242Tyr (NM_001407246.1); short protein forms D367Y, D348Y, D242Y, D368Y, D303Y, D408Y.
Identifiers: ClinVar variation 646467 (VCV000646467.15), dbSNP rs141867978, ClinGen allele CA035104.